The following is an entry in ClinVar:

NM_024027.5(COLEC11):c.130+1738C>G

Gene: COLEC11 (collectin subfamily member 11; plus strand). Cytogenetic location: 2p25.3.
Variant type: single nucleotide variant.
Coding change: c.130+1738C>G on transcript NM_024027.5 (MANE Select); 1738 bases into the intron after coding-DNA position 130, C replaced by G.
Molecular consequence: intron variant. On other transcripts: missense variant (4).
Genome position (GRCh38, 1-based): chr2:3,606,208, C>G. VCF-style: chr2-3606208-C-G. GRCh37 (hg19) VCF-style: chr2-3653798-C-G.
Other names: c.17C>G, p.Pro6Arg (NM_001255986.1, NM_001255987.1, NM_001255988.1 and 1 more transcripts); c.42+1738C>G (NM_199235.3); c.130+1738C>G (NM_001255983.2, NM_001255982.2, NM_001255984.2); c.172+1738C>G (NM_001255985.1); short protein forms P6R.
Identifiers: ClinVar variation 4533847 (VCV004533847.7).

ClinVar aggregate classification (germline): Likely benign. Review status: criteria provided, multiple submitters, no conflicts (2 of 4 stars). 2 submissions from 2 submitters: Likely benign (2). Last evaluated 2025-11-01.

gnomAD v4.1: 830 of 1,550,416 alleles (0.054%); highest among the groups gnomAD compares: African/African-American, 1%; 1 homozygote.

Submissions (2):

CeGaT Center for Human Genetics Tuebingen
Classification: Likely benign. Last evaluated: 2025-11-01. Review status: criteria provided, single submitter. Criteria: CeGaT Center For Human Genetics Tuebingen Variant Classification Criteria Version 2. Collection method: clinical testing. Allele origin: germline. Affected: yes. Observed: 1 variant allele.
Comment: COLEC11: PP3, BS1

Blueprint Genetics
Classification: Likely benign. Last evaluated: 2024-11-11. Review status: criteria provided, single submitter. Criteria: ACMG Guidelines, 2015. Collection method: clinical testing. Allele origin: germline.